The following is an entry in ClinVar:

NM_019108.4(SMG9):c.326G>A (p.Gly109Glu)

Genes: SMG9 (SMG9 nonsense mediated mRNA decay factor; minus strand), LOC130064611 (ATAC-STARR-seq lymphoblastoid silent region 10728; plus strand). Cytogenetic location: 19q13.31.
Variant type: single nucleotide variant.
Coding change: c.326G>A on transcript NM_019108.4 (MANE Select); coding-DNA position 326, G replaced by A.
Protein change: p.Gly109Glu; replaces glycine 109 with glutamic acid.
Molecular consequence: missense variant.
Genome position (GRCh38, 1-based): chr19:43,747,797, C>T on the plus strand (G>A on the coding strand, the complement: SMG9 is on the minus strand). VCF-style: chr19-43747797-C-T. GRCh37 (hg19) VCF-style: chr19-44251949-C-T.
Other names: short protein forms G109E.
Identifiers: ClinVar variation 4690131 (VCV004690131.1).

ClinVar aggregate classification (germline): Uncertain significance (1 of 4 stars; one submission).

gnomAD v4.1: 40 of 1,605,382 alleles (0.0025%); highest among the groups gnomAD compares: Non-Finnish European, 0.0033%; no homozygotes.

Submission:

GeneDx
Classification: Uncertain significance. Last evaluated: 2025-07-30. Review status: criteria provided, single submitter. Criteria: GeneDx Variant Classification Process June 2021. Collection method: clinical testing. Allele origin: germline. Affected: yes.
Comment: Not observed at significant frequency in large population cohorts (gnomAD); In silico analysis suggests this variant may impact gene splicing. In the absence of RNA/functional studies, the actual effect of this sequence change is unknown.; In silico analysis suggests that this missense variant does not alter protein structure/function; Has not been previously published as pathogenic or benign to our knowledge